The following is an entry in ClinVar:

ClinVar aggregate classification (germline): Uncertain significance (3 of 4 stars; one submission).

Conditions:
GUCY2D-related recessive retinopathy. Also called: Recessive GUCY2D retinopathy. Identifiers: MedGen CN305603, MONDO:0100453.

Submission:

ClinGen Leber Congenital Amaurosis/early Onset Retinal Dystrophy Variant Curation Expert Panel, ClinGen
Classification: Uncertain significance for GUCY2D-related recessive retinopathy. Last evaluated: 2026-11-06. Review status: reviewed by expert panel. Criteria: ClinGen LCAeoRD ACMG Specifications GUCY2D V1.0.0. Collection method: curation. Allele origin: germline. Inheritance: Autosomal recessive inheritance.
Comment: The NM_000180.4(GUCY2D):c.2234C>T (p.Pro745Leu) variant in exon 11 of 20 causes a proline to be substituted by leucine at residue p.745. This variant has been reported in at least 1 proband with early-onset severe retinal dystrophy who was compound heterozygous with the c.3224+2T>A, suspected in trans (0.5 pts, VCEP member data), which was previously classified as Pathogenic by the ClinGen LCA/eoRD VCEP (0.5 total points, PM3_Supporting). This variant is present in gnomAD v.4.1.2 at a total allele frequency of 6.195e-7, with 1 allele /1614104 total alleles, which is lower than the ClinGen LCA/eoRD VCEP PM2_Supporting threshold of <0.0004 (PM2_Supporting). The computational predictor REVEL gives a score of 0.744, which is above the ClinGen LCA/eoRD VCEP threshold of ≥0.644 and predicts a damaging effect on RetGC-1 protein function (PP3). In summary, this variant meets the criteria to be classified as a Variant of Uncertain Significance for GUCY2D-related recessive retinopathy based on the ACMG/AMP criteria applied, as specified by the ClinGen LCA/eoRD VCEP: PM2_Suppporting, PM3_supporting, PP3.(LCA/eoRD VCEP specifications version 1.0.0)

NM_000180.4(GUCY2D):c.2234C>T (p.Pro745Leu)

Gene: GUCY2D (guanylate cyclase 2D, retinal; plus strand). Cytogenetic location: 17p13.1.
Variant type: single nucleotide variant.
Coding change: c.2234C>T on transcript NM_000180.4 (MANE Select); coding-DNA position 2234, C replaced by T.
Protein change: p.Pro745Leu; replaces proline 745 with leucine.
Molecular consequence: missense variant.
Genome position (GRCh38, 1-based): chr17:8,013,223, C>T. VCF-style: chr17-8013223-C-T. GRCh37 (hg19) VCF-style: chr17-7916541-C-T.
Other names: NM_000180.4:c.2234C>T; short protein forms P745L.
Identifiers: ClinVar variation 5042545 (VCV005042545.1).